The following is an entry in ClinVar:

ClinVar aggregate classification (germline): Uncertain significance (1 of 4 stars; one submission).

Allele frequency attached by ClinVar (database versions not stated): gnomAD exomes 0.00001; gnomAD 0.00002; TOPMed 0.00003.
gnomAD v4.1: 11 of 1,613,402 alleles (0.00068%); highest among the groups gnomAD compares: African/African-American, 0.012%; no homozygotes.

Submission:

Labcorp Genetics (formerly Invitae), Labcorp
Classification: Uncertain significance. Last evaluated: 2024-10-17. Review status: criteria provided, single submitter. Criteria: Invitae Variant Classification Sherloc (09022015). Collection method: clinical testing. Allele origin: germline.
Comment: This sequence change falls in intron 12 of the ROBO1 gene. It does not directly change the encoded amino acid sequence of the ROBO1 protein. This variant is present in population databases (no rsID available, gnomAD 0.01%). This variant has not been reported in the literature in individuals affected with ROBO1-related conditions. Algorithms developed to predict the effect of sequence changes on RNA splicing suggest that this variant may create or strengthen a splice site. In summary, the available evidence is currently insufficient to determine the role of this variant in disease. Therefore, it has been classified as a Variant of Uncertain Significance.

NM_002941.4(ROBO1):c.1630+10A>G

Gene: ROBO1 (roundabout guidance receptor 1; minus strand). Cytogenetic location: 3p12.3.
Variant type: single nucleotide variant.
Coding change: c.1630+10A>G on transcript NM_002941.4 (MANE Select); 10 bases into the intron after coding-DNA position 1630, A replaced by G.
Molecular consequence: intron variant.
Genome position (GRCh38, 1-based): chr3:78,668,474, T>C on the plus strand (A>G on the coding strand, the complement: ROBO1 is on the minus strand). VCF-style: chr3-78668474-T-C. GRCh37 (hg19) VCF-style: chr3-78717624-T-C.
Other names: c.1522+10A>G (NM_001145845.2, NM_133631.4).
Identifiers: ClinVar variation 3009105 (VCV003009105.3), dbSNP rs1049112147, ClinGen allele CA77561889.